The following is an entry in ClinVar:

ClinVar aggregate classification (germline): Likely benign. Review status: criteria provided, multiple submitters, no conflicts (2 of 4 stars). 2 submissions from 2 submitters: Likely benign (2). Last evaluated 2024-10-24.

Conditions:
Benign neonatal seizures. Also called: Benign familial neonatal epilepsy; Convulsions benign familial neonatal dominant form; Autosomal dominant form of benign neonatal seizures; Benign familial neonatal seizures; Benign neonatal familial convulsions. Identifiers: Orphanet 1949, MedGen C0220669, MONDO:0016027.

Allele frequency attached by ClinVar (database versions not stated): gnomAD exomes 0.00001; ExAC 0.00002.
gnomAD v4.1: 4 of 1,614,160 alleles (0.00025%); highest among the groups gnomAD compares: Admixed American, 0.0067%; no homozygotes.

Submissions (2):

Labcorp Genetics (formerly Invitae), Labcorp
Classification: Likely benign for Benign neonatal seizures. Last evaluated: 2024-10-24. Review status: criteria provided, single submitter. Criteria: Invitae Variant Classification Sherloc (09022015). Collection method: clinical testing. Allele origin: germline.

GeneDx
Classification: Likely benign. Last evaluated: 2016-06-13. Review status: criteria provided, single submitter. Criteria: GeneDx Variant Classification (06012015). Collection method: clinical testing. Allele origin: germline. Affected: yes.
Comment: This variant is considered likely benign or benign based on one or more of the following criteria: it is a conservative change, it occurs at a poorly conserved position in the protein, it is predicted to be benign by multiple in silico algorithms, and/or has population frequency not consistent with disease.

NM_004519.4(KCNQ3):c.624C>T (p.Ala208=)

Gene: KCNQ3 (potassium voltage-gated channel subfamily Q member 3; minus strand). Cytogenetic location: 8q24.22.
Variant type: single nucleotide variant.
Coding change: c.624C>T on transcript NM_004519.4 (MANE Select); coding-DNA position 624, C replaced by T.
Protein change: p.Ala208=; no amino-acid change (alanine 208 retained).
Molecular consequence: synonymous variant.
Genome position (GRCh38, 1-based): chr8:132,180,310, G>A on the plus strand (C>T on the coding strand, the complement: KCNQ3 is on the minus strand). VCF-style: chr8-132180310-G-A. GRCh37 (hg19) VCF-style: chr8-133192557-G-A.
Other names: c.264C>T, p.Ala88= (NM_001204824.2).
Identifiers: ClinVar variation 378033 (VCV000378033.8), dbSNP rs747188490, ClinGen allele CA4880870.
Genomic context (GRCh38, chr8:132,180,310, plus strand): 5'-GCTTCGCAGGGAGGTGGCCAGAACATTGCCTTGGTTTCCCACAGCAACCACTGGCACAGA[G>A]GCAATCAGCACAAAGATGTCTGGGAGAGAGGACAGACAGAGTGGGAGGGAAGAGGGAAAG-3'
Protein context (NP_004510.1, residues 198-218): LCMLDIFVLI[Ala208=]SVPVVAVGNQ